The following is an entry in ClinVar:

ClinVar aggregate classification (germline): Uncertain significance (1 of 4 stars; one submission).

Conditions:
RASopathy. Also called: Noonan spectrum disorder; rasopathies. Identifiers: Orphanet 536391, MedGen C5555857, MONDO:0021060.

gnomAD v4.1: 3 of 1,608,792 alleles (0.00019%); highest among the groups gnomAD compares: Non-Finnish European, 0.00026%; no homozygotes.

Submission:

Labcorp Genetics (formerly Invitae), Labcorp
Classification: Uncertain significance for RASopathy. Last evaluated: 2025-05-13. Review status: criteria provided, single submitter. Criteria: Invitae Variant Classification Sherloc (09022015). Collection method: clinical testing. Allele origin: germline.
Comment: This sequence change falls in intron 1 of the MAP2K1 gene. It does not directly change the encoded amino acid sequence of the MAP2K1 protein. It affects a nucleotide within the consensus splice site. This variant is present in population databases (rs751859390, gnomAD 0.0009%). This variant has not been reported in the literature in individuals affected with MAP2K1-related conditions. ClinVar contains an entry for this variant (Variation ID: 3695951). Variants that disrupt the consensus splice site are a relatively common cause of aberrant splicing (PMID: 17576681, 9536098). Algorithms developed to predict the effect of sequence changes on RNA splicing suggest that this variant is not likely to affect RNA splicing. In summary, the available evidence is currently insufficient to determine the role of this variant in disease. Therefore, it has been classified as a Variant of Uncertain Significance.

Literature cited by the submitters: PubMed 17576681; PubMed 9536098.

NM_002755.4(MAP2K1):c.81-3C>T

Gene: MAP2K1 (mitogen-activated protein kinase kinase 1; plus strand). Cytogenetic location: 15q22.31.
Variant type: single nucleotide variant.
Coding change: c.81-3C>T on transcript NM_002755.4 (MANE Select); 3 bases into the intron before coding-DNA position 81, C replaced by T.
Molecular consequence: intron variant.
Genome position (GRCh38, 1-based): chr15:66,435,024, C>T. VCF-style: chr15-66435024-C-T. GRCh37 (hg19) VCF-style: chr15-66727362-C-T.
Other names: c.15-3C>T (NM_001411065.1).
Identifiers: ClinVar variation 3695951 (VCV003695951.2).